The following is an entry in ClinVar:

ClinVar aggregate classification (germline): Uncertain significance. Review status: criteria provided, multiple submitters, no conflicts (2 of 4 stars). 2 submissions from 2 submitters: Uncertain significance (2). Last evaluated 2024-04-08.

Conditions:
Emery-Dreifuss muscular dystrophy (EDMD). Also called: Scapuloperoneal syndrome, X-linked (formerly); Humeroperoneal neuromuscular disease, (formerly). Identifiers: Orphanet 261, MedGen C0410189, MONDO:0016830.

Allele frequency attached by ClinVar (database versions not stated): gnomAD exomes 0.00001; ExAC 0.00002; TOPMed 0.00003; gnomAD 0.00005.
gnomAD v4.1: 22 of 1,613,040 alleles (0.0014%); highest among the groups gnomAD compares: African/African-American, 0.013%; no homozygotes.

Submissions (2):

Ambry Genetics
Classification: Uncertain significance. Last evaluated: 2024-04-08. Review status: criteria provided, single submitter. Criteria: Ambry Variant Classification Scheme 2023. Collection method: clinical testing. Allele origin: germline.

Labcorp Genetics (formerly Invitae), Labcorp
Classification: Uncertain significance for Emery-Dreifuss muscular dystrophy. Last evaluated: 2023-12-16. Review status: criteria provided, single submitter. Criteria: Invitae Variant Classification Sherloc (09022015). Collection method: clinical testing. Allele origin: germline.
Comment: This sequence change replaces arginine, which is basic and polar, with glutamine, which is neutral and polar, at codon 100 of the SUN2 protein (p.Arg100Gln). This variant is present in population databases (rs781189308, gnomAD 0.01%). This variant has not been reported in the literature in individuals affected with SUN2-related conditions. ClinVar contains an entry for this variant (Variation ID: 1979024). An algorithm developed to predict the effect of missense changes on protein structure and function (PolyPhen-2) suggests that this variant is likely to be tolerated. In summary, the available evidence is currently insufficient to determine the role of this variant in disease. Therefore, it has been classified as a Variant of Uncertain Significance.

NM_015374.3(SUN2):c.299G>A (p.Arg100Gln)

Gene: SUN2 (Sad1 and UNC84 domain containing 2; minus strand). Cytogenetic location: 22q13.1.
Variant type: single nucleotide variant.
Coding change: c.299G>A on transcript NM_015374.3 (MANE Select); coding-DNA position 299, G replaced by A.
Protein change: p.Arg100Gln; replaces arginine 100 with glutamine.
Molecular consequence: missense variant. On other transcripts: intron variant (4).
Genome position (GRCh38, 1-based): chr22:38,751,023, C>T on the plus strand (G>A on the coding strand, the complement: SUN2 is on the minus strand). VCF-style: chr22-38751023-C-T. GRCh37 (hg19) VCF-style: chr22-39147028-C-T.
Other names: c.299G>A, p.Arg100Gln (NM_001199579.2, NM_001199580.2, NM_001394427.1 and 11 more transcripts); c.344G>A, p.Arg115Gln (NM_001394429.1, NM_001394430.1); c.209G>A, p.Arg70Gln (NM_001394438.1); c.122+1484G>A (NM_001394443.1); c.286+187G>A (NM_001394439.1, NM_001394441.1, NM_001394440.1); c.299G>A (NM_015374.2); short protein forms R115Q, R100Q, R70Q.
Identifiers: ClinVar variation 1979024 (VCV001979024.5), dbSNP rs781189308, ClinGen allele CA10235992.